The following is an entry in ClinVar:

ClinVar aggregate classification (germline): Likely benign. Review status: criteria provided, single submitter (1 of 4 stars). 2 submissions from 2 submitters: Likely benign (1). 1 of the submissions does not count toward it. Last evaluated 2025-10-27.

Conditions:
VLDLR-related disorder. Also called: VLDLR-related condition.

Allele frequency attached by ClinVar (database versions not stated): TOPMed below 0.00001; ExAC 0.00002; gnomAD exomes 0.00003.

Submissions (2):

Labcorp Genetics (formerly Invitae), Labcorp
Classification: Likely benign. Last evaluated: 2025-10-27. Review status: criteria provided, single submitter. Criteria: Invitae Variant Classification Sherloc (09022015). Collection method: clinical testing. Allele origin: germline.

PreventionGenetics, part of Exact Sciences
Classification: Likely benign for VLDLR-related condition. Last evaluated: 2019-08-05. Review status: no assertion criteria provided. Collection method: clinical testing. Allele origin: germline. Not counted in ClinVar's aggregate classification.
Comment: This variant is classified as likely benign based on ACMG/AMP sequence variant interpretation guidelines (Richards et al. 2015 PMID: 25741868, with internal and published modifications).

NM_003383.5(VLDLR):c.1461T>C (p.Asp487=)

Genes: VLDLR (very low density lipoprotein receptor; plus strand), LOC130001471 (ATAC-STARR-seq lymphoblastoid silent region 19736; plus strand). Cytogenetic location: 9p24.2.
Variant type: single nucleotide variant.
Coding change: c.1461T>C on transcript NM_003383.5 (MANE Select); coding-DNA position 1461, T replaced by C.
Protein change: p.Asp487=; no amino-acid change (aspartic acid 487 retained).
Molecular consequence: synonymous variant.
Genome position (GRCh38, 1-based): chr9:2,645,722, T>C. VCF-style: chr9-2645722-T-C. GRCh37 (hg19) VCF-style: chr9-2645722-T-C.
Other names: c.1461T>C (NM_003383.4); c.1461T>C, p.Asp487= (NM_001018056.3); c.1338T>C, p.Asp446= (NM_001322225.2, NM_001322226.2).
Identifiers: ClinVar variation 3015441 (VCV003015441.5), dbSNP rs746588299, ClinGen allele CA4964837.